The following is an entry in ClinVar:

NM_000051.4(ATM):c.8188C>G (p.Gln2730Glu)

Genes: ATM (ATM serine/threonine kinase; plus strand), C11orf65 (chromosome 11 open reading frame 65; minus strand). Cytogenetic location: 11q22.3.
Variant type: single nucleotide variant.
Coding change: c.8188C>G on transcript NM_000051.4 (MANE Select); coding-DNA position 8188, C replaced by G.
Protein change: p.Gln2730Glu; replaces glutamine 2730 with glutamic acid.
Molecular consequence: missense variant. On other transcripts: intron variant (2).
Genome position (GRCh38, 1-based): chr11:108,335,881, C>G. VCF-style: chr11-108335881-C-G. GRCh37 (hg19) VCF-style: chr11-108206608-C-G.
Other names: c.8188C>G, p.Gln2730Glu (NM_001351834.2); c.641-26810G>C (NM_001330368.2); c.695-589G>C (NM_001351110.2); short protein forms Q2730E.
Identifiers: ClinVar variation 960688 (VCV000960688.10), dbSNP rs587782317, ClinGen allele CA382562531.
Genomic context (GRCh38, chr11:108,335,881, plus strand): 5'-TATTCATGCTTAATTATTCTGAAGGGCCGTGATGACCTGAGACAAGATGCTGTCATGCAA[C>G]AGGTCTTCCAGATGTGTAATACATTACTGCAGAGAAACACGGAAACTAGGAAGAGGAAAT-3'
Protein context (NP_000042.3, residues 2720-2740): DDLRQDAVMQ[Gln2730Glu]VFQMCNTLLQ

ClinVar aggregate classification (germline): Uncertain significance (1 of 4 stars; one submission).

Conditions:
Ataxia-telangiectasia syndrome (AT). Also called: Ataxia-telangiectasia, complementation group D; AT, COMPLEMENTATION GROUP C; ATAXIA-TELANGIECTASIA, COMPLEMENTATION GROUP A; ATAXIA-TELANGIECTASIA, FRESNO VARIANT; Ataxia-telangiectasia; Ataxia telangiectasia (A-T). Identifiers: Orphanet 100, MedGen C0004135, MONDO:0008840, OMIM 208900.

Submission:

Labcorp Genetics (formerly Invitae), Labcorp
Classification: Uncertain significance for Ataxia-telangiectasia syndrome. Last evaluated: 2019-09-06. Review status: criteria provided, single submitter. Criteria: Invitae Variant Classification Sherloc (09022015). Collection method: clinical testing. Allele origin: germline.
Comment: This sequence change replaces glutamine with glutamic acid at codon 2730 of the ATM protein (p.Gln2730Glu). The glutamine residue is highly conserved and there is a small physicochemical difference between glutamine and glutamic acid. This variant is not present in population databases (ExAC no frequency). This variant has not been reported in the literature in individuals with ATM-related conditions. Algorithms developed to predict the effect of missense changes on protein structure and function (SIFT, PolyPhen-2, Align-GVGD) all suggest that this variant is likely to be disruptive, but these predictions have not been confirmed by published functional studies and their clinical significance is uncertain. This variant disrupts the p.Gln2730 amino acid residue in ATM. Other variant(s) that disrupt this residue have been determined to be pathogenic (PMID: 19431188, 16189143, 22869595). This suggests that this residue is clinically significant, and that variants that disrupt this residue are likely to be disease-causing. In summary, the available evidence is currently insufficient to determine the role of this variant in disease. Therefore, it has been classified as a Variant of Uncertain Significance.

Literature cited by the submitters: PubMed 19431188; PubMed 16189143; PubMed 22869595.